The following is an entry in ClinVar:

NM_001142800.2(EYS):c.7796A>G (p.His2599Arg)

Gene: EYS (EGF-like photoreceptor maintenance factor; minus strand). Cytogenetic location: 6q12.
Variant type: single nucleotide variant.
Coding change: c.7796A>G on transcript NM_001142800.2 (MANE Select); coding-DNA position 7796, A replaced by G.
Protein change: p.His2599Arg; replaces histidine 2599 with arginine.
Molecular consequence: missense variant.
Genome position (GRCh38, 1-based): chr6:63,778,108, T>C on the plus strand (A>G on the coding strand, the complement: EYS is on the minus strand). VCF-style: chr6-63778108-T-C. GRCh37 (hg19) VCF-style: chr6-64488001-T-C.
Other names: c.7796A>G, p.His2599Arg (NM_001292009.2); short protein forms H2599R.
Identifiers: ClinVar variation 444686 (VCV000444686.72), dbSNP rs74636274, ClinGen allele CA3876776.
Genomic context (GRCh38, chr6:63,778,108, plus strand): 5'-CATTTCATTAAACTGCAGGGAGAAGCATGACACTGGCCAACACTGCGTCCAGCATTTGGG[T>C]GGCCCTCAGGATTTCCCAGTCCTCTGAAATGGCCATCCTTCTCAGTGCGAACTTGAAGAG-3'
Protein context (NP_001136272.1, residues 2589-2609): HFRGLGNPEG[His2599Arg]PNAGRSVGQC

ClinVar aggregate classification (germline): Conflicting classifications of pathogenicity. Review status: criteria provided, conflicting classifications (1 of 4 stars). 8 submissions from 8 submitters: Uncertain significance (1); Benign (2); Likely benign (3). 2 of the submissions do not count toward it. Last evaluated 2026-03-01.

Conditions:
Retinitis pigmentosa 25 (RP25). Identifiers: Orphanet 791, MedGen C1864446, MONDO:0011272, OMIM 602772.
Retinitis pigmentosa (RP). Identifiers: Orphanet 791, MedGen C0035334, MeSH D012174, MONDO:0019200, OMIM 268000. Inheritance: Autosomal dominant, autosomal recessive and X linked inheritance.

Allele frequency attached by ClinVar (database versions not stated): 1000 Genomes Project 0.00459; 1000 Genomes Project 30x 0.00484; TOPMed 0.00528; gnomAD exomes 0.00550 and 0.00835; gnomAD 0.00580 and 0.00587; ExAC 0.00681; ESP Exome Variant Server 0.00788.
gnomAD v4.1: 12,402 of 1,551,784 alleles (0.8%); highest among the groups gnomAD compares: Non-Finnish European, 0.95%; 68 homozygotes.

Submissions (8):

CeGaT Center for Human Genetics Tuebingen
Classification: Likely benign. Last evaluated: 2026-03-01. Review status: criteria provided, single submitter. Criteria: CeGaT Center For Human Genetics Tuebingen Variant Classification Criteria Version 2. Collection method: clinical testing. Allele origin: germline. Affected: yes. Observed: 9 variant alleles.
Comment: EYS: BP4, BS2

Labcorp Genetics (formerly Invitae), Labcorp
Classification: Benign. Last evaluated: 2026-02-04. Review status: criteria provided, single submitter. Criteria: Invitae Variant Classification Sherloc (09022015). Collection method: clinical testing. Allele origin: germline.

ARUP Laboratories, Molecular Genetics and Genomics, ARUP Laboratories
Classification: Likely benign for Retinitis pigmentosa 25. Last evaluated: 2022-03-17. Review status: criteria provided, single submitter. Criteria: ARUP Molecular Germline Variant Investigation Process 2021. Collection method: clinical testing. Allele origin: germline.

Pars Genome Lab
Classification: Likely benign for Retinitis pigmentosa 25. Last evaluated: 2021-05-18. Review status: criteria provided, single submitter. Criteria: ACMG Guidelines, 2015. Collection method: clinical testing. Allele origin: germline. Affected: no.

Illumina Laboratory Services, Illumina
Classification: Uncertain significance for Retinitis pigmentosa. Last evaluated: 2018-01-12. Review status: criteria provided, single submitter. Criteria: ICSL Variant Classification Criteria 13 December 2019. Collection method: clinical testing. Allele origin: germline.

GeneDx
Classification: Benign. Last evaluated: 2015-03-03. Review status: criteria provided, single submitter. Criteria: GeneDx Variant Classification Process June 2021. Collection method: clinical testing. Allele origin: germline. Affected: yes.

Natera, Inc.
Classification: Likely benign for Retinitis pigmentosa type 25. Last evaluated: 2021-02-26. Review status: no assertion criteria provided. Collection method: clinical testing. Allele origin: germline. Not counted in ClinVar's aggregate classification.

Department of Pathology and Laboratory Medicine, Sinai Health System
Classification: Likely benign. Review status: no assertion criteria provided. Collection method: clinical testing. Allele origin: unknown. Affected: yes. Study: The Canadian Open Genetics Repository (COGR). Not counted in ClinVar's aggregate classification.
Comment: The EYS p.His2599Arg variant was identified in dbSNP (ID: rs74636274), ClinVar (classified as likely benign by Praxis fuer Humangenetik Tuebingen in 2018) and LOVD 3.0 (predicted to be unlikely pathogenic) but was not identified in Cosmic. The variant was identified in control databases in 1028 of 188578 chromosomes (11 homozygous) at a frequency of 0.005451 increasing the likelihood this could be a low frequency benign variant (Genome Aggregation Database Feb 27, 2017). The variant was observed in the following populations: European (non-Finnish) in 632 of 76436 chromosomes (freq: 0.008268), South Asian in 187 of 22766 chromosomes (freq: 0.008214), Other in 32 of 5496 chromosomes (freq: 0.005822), Latino in 105 of 25536 chromosomes (freq: 0.004112), Ashkenazi Jewish in 16 of 8788 chromosomes (freq: 0.001821), European (Finnish) in 33 of 20318 chromosomes (freq: 0.001624), African in 22 of 16776 chromosomes (freq: 0.001311), and East Asian in 1 of 12462 chromosomes (freq: 0.00008). The p.H2599R variant was identified in 4/186 patients with retinitis pigmentosa (freq=0.011) in one study and in 1/100 patients with retinitis pigmentosa (freq=0.005) in another study (Audo_2010_PMID: 20333770; Neveling_2012_PMID: 22334370). In a cohort of 245 families with retinitis pigmentosa, the p.H2599R variant was suggested not to be pathogenic as it was identified in the unaffected family members of one family but not in the family members affected with retinitis pigmentosa (Littink_2010_PMID: 20537394). The p.His2599 residue is not conserved in mammals and four out of five computational analyses (PolyPhen-2, AlignGVGD, BLOSUM, MutationTaster) do not suggest a high likelihood of impact to the protein; however, this information is not predictive enough to rule out pathogenicity. In summary, based on the above information the clinical significance of this variant cannot be determined with certainty at this time although we would lean towards a more benign role for this variant. This variant is classified as likely benign.